The following is an entry in ClinVar:

ClinVar aggregate classification (germline): Likely benign. Review status: criteria provided, single submitter (1 of 4 stars). 2 submissions from 2 submitters: Likely benign (1). 1 of the submissions does not count toward it. Last evaluated 2025-03-13.

Conditions:
NTRK2-related disorder. Also called: NTRK2-related condition.

Allele frequency attached by ClinVar (database versions not stated): gnomAD 0.00001; gnomAD exomes 0.00001.
gnomAD v4.1: 17 of 1,613,974 alleles (0.0011%); highest among the groups gnomAD compares: Admixed American, 0.0033%; no homozygotes.

Submissions (2):

Labcorp Genetics (formerly Invitae), Labcorp
Classification: Likely benign. Last evaluated: 2025-03-13. Review status: criteria provided, single submitter. Criteria: Invitae Variant Classification Sherloc (09022015). Collection method: clinical testing. Allele origin: germline.

PreventionGenetics, part of Exact Sciences
Classification: Likely benign for NTRK2-related condition. Last evaluated: 2024-03-25. Review status: no assertion criteria provided. Collection method: clinical testing. Allele origin: germline. Not counted in ClinVar's aggregate classification.
Comment: This variant is classified as likely benign based on ACMG/AMP sequence variant interpretation guidelines (Richards et al. 2015 PMID: 25741868, with internal and published modifications).

NM_006180.6(NTRK2):c.435G>A (p.Leu145=)

Gene: NTRK2 (neurotrophic receptor tyrosine kinase 2; plus strand). Cytogenetic location: 9q21.33.
Variant type: single nucleotide variant.
Coding change: c.435G>A on transcript NM_006180.6 (MANE Select); coding-DNA position 435, G replaced by A.
Protein change: p.Leu145=; no amino-acid change (leucine 145 retained).
Molecular consequence: synonymous variant. On other transcripts: 5 prime UTR variant (5).
Genome position (GRCh38, 1-based): chr9:84,710,643, G>A. VCF-style: chr9-84710643-G-A. GRCh37 (hg19) VCF-style: chr9-87325558-G-A.
Other names: c.435G>A (NM_006180.4); c.-34G>A (NM_001369535.1, NM_001369536.1, NM_001369550.1 and 2 more transcripts); c.435G>A, p.Leu145= (NM_001369537.1, NM_001369538.1, NM_001369539.1 and 19 more transcripts).
Identifiers: ClinVar variation 2959130 (VCV002959130.4), dbSNP rs745342674, ClinGen allele CA465894051.